The following is an entry in ClinVar:

NM_007294.4(BRCA1):c.1104A>T (p.Glu368Asp)

Gene: BRCA1 (BRCA1 DNA repair associated; minus strand). Cytogenetic location: 17q21.31.
Variant type: single nucleotide variant.
Coding change: c.1104A>T on transcript NM_007294.4 (MANE Select); coding-DNA position 1104, A replaced by T.
Protein change: p.Glu368Asp; replaces glutamic acid 368 with aspartic acid.
Molecular consequence: missense variant. On other transcripts: intron variant (137).
Genome position (GRCh38, 1-based): chr17:43,094,427, T>A on the plus strand (A>T on the coding strand, the complement: BRCA1 is on the minus strand). VCF-style: chr17-43094427-T-A. GRCh37 (hg19) VCF-style: chr17-41246444-T-A.
Other names: c.1101A>T, p.Glu367Asp (NM_001407637.1, NM_001407638.1, NM_001407615.1 and 22 more transcripts); c.1104A>T, p.Glu368Asp (NM_001407639.1, NM_001407640.1, NM_001407641.1 and 30 more transcripts); c.978A>T, p.Glu326Asp (NM_001407940.1, NM_001407941.1, NM_001407649.1 and 11 more transcripts); c.963A>T, p.Glu321Asp (NM_001407942.1, NM_001407944.1, NM_001407945.1 and 29 more transcripts); c.960A>T, p.Glu320Asp (NM_001407943.1, NM_001407964.1, NM_001407740.1 and 20 more transcripts); c.771A>T, p.Glu257Asp (NM_001407946.1, NM_001407947.1, NM_001407948.1 and 6 more transcripts); c.723A>T, p.Glu241Asp (NM_001407959.1, NM_001407960.1, NM_001407963.1); c.720A>T, p.Glu240Asp (NM_001407962.1); and 40 more; short protein forms E200D, E240D, E241D, E256D, E257D, E279D, E280D, E297D.
Identifiers: ClinVar variation 4856543 (VCV004856543.1).

ClinVar aggregate classification (germline): Likely benign (1 of 4 stars; one submission).

Conditions:
Breast-ovarian cancer, familial, susceptibility to, 1 (BROVCA1). Also called: OVARIAN CANCER, SUSCEPTIBILITY TO; BRCA1 Hereditary Breast and Ovarian Cancer. Identifiers: Orphanet 145, MedGen C2676676, MONDO:0011450, OMIM 604370. Disease mechanism: loss of function.

gnomAD v4.1: 2 of 1,614,172 alleles (0.00012%); highest among the groups gnomAD compares: South Asian, 0.0022%; no homozygotes.

Submission:

Cancer Bioinformatics and Tumour Evolution Laboratory, Monash University
Classification: Likely benign for Breast-ovarian cancer, familial, susceptibility to, 1. Last evaluated: 2026-05-01. Review status: criteria provided, single submitter. Criteria: ClinGen BRCA1 and BRCA2 Guidelines, 2024. Collection method: curation. Allele origin: germline. Inheritance: Autosomal dominant inheritance.
Comment: Missense variant outside of a functional domain with no splice impact. BRCA1 and BRCA2 VCEP guidelines recommend application of BP1_Strong (PMID: 39142283)